The following is an entry in ClinVar:

ClinVar aggregate classification (germline): Benign. Review status: criteria provided, single submitter (1 of 4 stars). 3 submissions from 1 submitter: Benign (3). Last evaluated 2018-01-12.

Conditions:
Phosphoribosylpyrophosphate synthetase superactivity. Identifiers: Orphanet 3222, MedGen C1970827, MONDO:0010395, OMIM 300661.
Arts syndrome (ARTS). Also called: MENTAL RETARDATION, X-LINKED, SYNDROMIC 18; MENTAL RETARDATION, X-LINKED, SYNDROMIC, ARTS TYPE; ARTS SYNDROME AND PHOSPHORIBOSYLPYROPHOSPHATE SYNTHETASE SUPERACTIVITY. Identifiers: Orphanet 1187, MedGen C0796028, MONDO:0010533, OMIM 301835.
Hearing loss, X-linked 1 (DFNX1). Also called: DFNX1 Nonsyndromic Sensorineural Hearing Loss (DFN2); DFNX1 Nonsyndromic Hearing Loss and Deafness; DEAFNESS, X-LINKED 1; DEAFNESS, X-LINKED 2, SENSORINEURAL CONGENITAL. Identifiers: Orphanet 90625, MedGen C1844677, MONDO:0010577, OMIM 304500.

Allele frequency attached by ClinVar (database versions not stated): gnomAD 0.00042 and 0.00044; TOPMed 0.00046; gnomAD exomes 0.00078; 1000 Genomes Project 0.00079; 1000 Genomes Project 30x 0.00083.
gnomAD v4.1: 725 of 999,828 alleles (0.073%); highest among the groups gnomAD compares: Non-Finnish European, 0.091%; 1 homozygote.

Submissions (3):

Illumina Laboratory Services, Illumina
Classification: Benign for Phosphoribosylpyrophosphate synthetase superactivity. Last evaluated: 2018-01-12. Review status: criteria provided, single submitter. Criteria: ICSL Variant Classification Criteria 13 December 2019. Collection method: clinical testing. Allele origin: germline.
Comment: This variant was observed in the ICSL laboratory as part of a predisposition screen in an ostensibly healthy population. It had not been previously curated by ICSL or reported in the Human Gene Mutation Database (HGMD: prior to June 1st, 2018), and was therefore a candidate for classification through an automated scoring system. Utilizing variant allele frequency, disease prevalence and penetrance estimates, and inheritance mode, an automated score was calculated to assess if this variant is too frequent to cause the disease. Based on the score and internal cut-off values, a variant classified as benign is not then subjected to further curation. The score for this variant resulted in a classification of benign for this disease.

Illumina Laboratory Services, Illumina
Classification: Benign for Hearing loss, X-linked 1. Last evaluated: 2018-01-12. Review status: criteria provided, single submitter. Criteria: ICSL Variant Classification Criteria 13 December 2019. Collection method: clinical testing. Allele origin: germline.
Comment: the same text as in the submission from Illumina Laboratory Services, Illumina above.

Illumina Laboratory Services, Illumina
Classification: Benign for Arts syndrome. Last evaluated: 2018-01-12. Review status: criteria provided, single submitter. Criteria: ICSL Variant Classification Criteria 13 December 2019. Collection method: clinical testing. Allele origin: germline.
Comment: the same text as in the submission from Illumina Laboratory Services, Illumina above.

NM_002764.4(PRPS1):c.*158C>T

Gene: PRPS1 (phosphoribosyl pyrophosphate synthetase 1; plus strand). Cytogenetic location: Xq22.3.
Variant type: single nucleotide variant.
Coding change: c.*158C>T on transcript NM_002764.4 (MANE Select); 158 bases downstream of the stop codon, C replaced by T.
Molecular consequence: 3 prime UTR variant.
Genome position (GRCh38, 1-based): chrX:107,650,190, C>T. VCF-style: chrX-107650190-C-T. GRCh37 (hg19) VCF-style: chrX-106893420-C-T.
Other names: c.*158C>T (NM_001204402.2).
Identifiers: ClinVar variation 912472 (VCV000912472.4), dbSNP rs777440100, ClinGen allele CA333061437.
Genomic context (GRCh38, chrX:107,650,190, plus strand): 5'-CAGTGTAGCTTTCTACATCCCACATCAGGTATATTAGAGCTTATCCGAACTGGGGAAAGA[C>T]GGATTGAGATTAACTGCTGGGACCTCCTACCTGCATTATCTCATTCTGGCTTCCTTGATA-3'